The following is an entry in ClinVar:

ClinVar aggregate classification (germline): Conflicting classifications of pathogenicity. Review status: criteria provided, conflicting classifications (1 of 4 stars). 4 submissions from 4 submitters: Pathogenic (1); Likely pathogenic (1); Uncertain significance (1). 1 of the submissions does not count toward it. Last evaluated 2025-08-21.

Conditions:
MYO5B-related disorder. Also called: MYO5B-related condition.
Congenital microvillous atrophy (DIAR2). Also called: Microvillus inclusion disease; CONGENITAL FAMILIAL PROTRACTED DIARRHEA WITH ENTEROCYTE BRUSH-BORDER ABNORMALITIES; DAVIDSON DISEASE; Diarrhea 2 with microvillus atrophy, with or without cholestasis; MICROVILLUS ATROPHY, CONGENITAL. Identifiers: Orphanet 2290, MedGen C0341306, MONDO:0009635, OMIM 251850.

Allele frequency attached by ClinVar (database versions not stated): TOPMed below 0.00001.
gnomAD v4.1: 10 of 1,604,026 alleles (0.00062%); highest among the groups gnomAD compares: Middle Eastern, 0.017%; no homozygotes.

Submissions (4):

PreventionGenetics, part of Exact Sciences
Classification: Pathogenic for MYO5B-related condition. Last evaluated: 2025-08-21. Review status: criteria provided, single submitter. Criteria: ACMG Guidelines, 2015. Collection method: clinical testing. Allele origin: germline.
Comment: The MYO5B c.1966C>T variant is predicted to result in the amino acid substitution p.Arg656Cys. This variant has been reported in the homozygous or compound heterozygous state in many individuals with MYO5B-related disorders ranging from microvillus inclusion disease (MVID) to predominantly cholestatic liver disease (Muller et al 2008. PubMed ID: 18724368; Platt CD et al 2020. PubMed ID: 32888943; Aldrian et al. 2021. PubMed ID: 33525641). This variant is reported in 0.010% of alleles in individuals of Ashkenazi Jewish descent in gnomAD. This variant is interpreted as pathogenic.

Dubai Health Genomic Medicine Center, Dubai Health
Classification: Likely pathogenic for Diarrhea 2 with microvillus atrophy, with or without cholestasis. Last evaluated: 2024-10-04. Review status: criteria provided, single submitter. Criteria: ACMG Guidelines, 2015. Collection method: research. Allele origin: germline. Affected: yes.
Comment: PM3(moderate),PM2,PP3,PM1

Labcorp Genetics (formerly Invitae), Labcorp
Classification: Uncertain significance. Last evaluated: 2022-08-24. Review status: criteria provided, single submitter. Criteria: Invitae Variant Classification Sherloc (09022015). Collection method: clinical testing. Allele origin: germline.
Comment: This sequence change replaces arginine, which is basic and polar, with cysteine, which is neutral and slightly polar, at codon 656 of the MYO5B protein (p.Arg656Cys). In summary, the available evidence is currently insufficient to determine the role of this variant in disease. Therefore, it has been classified as a Variant of Uncertain Significance. Algorithms developed to predict the effect of missense changes on protein structure and function are either unavailable or do not agree on the potential impact of this missense change (SIFT: "Deleterious"; PolyPhen-2: "Probably Damaging"; Align-GVGD: "Class C0"). ClinVar contains an entry for this variant (Variation ID: 4251). This missense change has been observed in individual(s) with microvillus inclusion disease and/or primary immunodeficiency (PMID: 18724368, 28899465, 32888943). The frequency data for this variant in the population databases is considered unreliable, as metrics indicate poor data quality at this position in the gnomAD database.

OMIM
Classification: Pathogenic for DIARRHEA 2, WITH MICROVILLUS ATROPHY. Last evaluated: 2008-10-01. Review status: no assertion criteria provided. Collection method: literature only. Allele origin: germline. Not counted in ClinVar's aggregate classification.

Literature cited by the submitters: PubMed 18724368 (cited by Labcorp Genetics (formerly Invitae), Labcorp and OMIM); PubMed 28899465 (cited by Labcorp Genetics (formerly Invitae), Labcorp); PubMed 32888943 (cited by Labcorp Genetics (formerly Invitae), Labcorp).

NM_001080467.3(MYO5B):c.1966C>T (p.Arg656Cys)

Gene: MYO5B (myosin VB; minus strand). Cytogenetic location: 18q21.1.
Variant type: single nucleotide variant.
Coding change: c.1966C>T on transcript NM_001080467.3 (MANE Select); coding-DNA position 1966, C replaced by T.
Protein change: p.Arg656Cys; replaces arginine 656 with cysteine.
Molecular consequence: missense variant.
Genome position (GRCh38, 1-based): chr18:49,936,289, G>A on the plus strand (C>T on the coding strand, the complement: MYO5B is on the minus strand). VCF-style: chr18-49936289-G-A. GRCh37 (hg19) VCF-style: chr18-47462659-G-A.
Other names: c.1966C>T (NM_001080467.2); short protein forms R656C.
Identifiers: ClinVar variation 4251 (VCV000004251.7), dbSNP rs121908105, ClinGen allele CA116745.